The following is an entry in ClinVar:

NM_006206.6(PDGFRA):c.3232A>G (p.Ile1078Val)

Gene: PDGFRA (platelet derived growth factor receptor alpha; plus strand). Cytogenetic location: 4q12.
Variant type: single nucleotide variant.
Coding change: c.3232A>G on transcript NM_006206.6 (MANE Select); coding-DNA position 3232, A replaced by G.
Protein change: p.Ile1078Val; replaces isoleucine 1078 with valine.
Molecular consequence: missense variant.
Genome position (GRCh38, 1-based): chr4:54,295,234, A>G. VCF-style: chr4-54295234-A-G. GRCh37 (hg19) VCF-style: chr4-55161401-A-G.
Other names: c.3307A>G, p.Ile1103Val (NM_001347828.2); c.3232A>G, p.Ile1078Val (NM_001347829.2); c.3271A>G, p.Ile1091Val (NM_001347830.2); short protein forms I1103V, I1078V, I1091V.
Identifiers: ClinVar variation 939802 (VCV000939802.11), dbSNP rs1577755845, ClinGen allele CA356896683.
Genomic context (GRCh38, chr4:54,295,234, plus strand): 5'-ACCTTCATCAAGAGAGAGGACGAGACCATTGAAGACATCGACATGATGGATGACATCGGC[A>G]TAGACTCTTCAGACCTGGTGGAAGACAGCTTCCTGTAACTGGCGGATTCGAGGGGTTCCT-3'
Protein context (NP_006197.1, residues 1068-1088): EDIDMMDDIG[Ile1078Val]DSSDLVEDSF

ClinVar aggregate classification (germline): Uncertain significance. Review status: criteria provided, multiple submitters, no conflicts (2 of 4 stars). 2 submissions from 2 submitters: Uncertain significance (2). Last evaluated 2024-11-15.

Conditions:
Hereditary cancer-predisposing syndrome. Also called: Hereditary neoplastic syndrome; Neoplastic Syndromes, Hereditary; Hereditary Cancer Syndrome; Tumor predisposition. Identifiers: Orphanet 140162, MedGen C0027672, MeSH D009386, MONDO:0015356.
Gastrointestinal stromal tumor. Also called: Gastrointestinal stromal tumor, somatic; Gastrointestinal stroma tumor. Identifiers: Orphanet 44890, MedGen C0238198, MeSH D046152, MONDO:0011719, OMIM 606764, HP:0100723.

Allele frequency attached by ClinVar (database versions not stated): gnomAD exomes below 0.00001.
gnomAD v4.1: 1 of 1,614,076 alleles (0.000062%); highest among the groups gnomAD compares: East Asian, 0.0022%; no homozygotes.

Submissions (2):

Labcorp Genetics (formerly Invitae), Labcorp
Classification: Uncertain significance for Gastrointestinal stromal tumor. Last evaluated: 2024-11-15. Review status: criteria provided, single submitter. Criteria: Invitae Variant Classification Sherloc (09022015). Collection method: clinical testing. Allele origin: germline.
Comment: This sequence change replaces isoleucine, which is neutral and non-polar, with valine, which is neutral and non-polar, at codon 1078 of the PDGFRA protein (p.Ile1078Val). This variant is not present in population databases (gnomAD no frequency). This variant has not been reported in the literature in individuals affected with PDGFRA-related conditions. ClinVar contains an entry for this variant (Variation ID: 939802). An algorithm developed to predict the effect of missense changes on protein structure and function (PolyPhen-2) suggests that this variant is likely to be tolerated. In summary, the available evidence is currently insufficient to determine the role of this variant in disease. Therefore, it has been classified as a Variant of Uncertain Significance.

Ambry Genetics
Classification: Uncertain significance for Hereditary cancer-predisposing syndrome. Last evaluated: 2023-09-25. Review status: criteria provided, single submitter. Criteria: Ambry Variant Classification Scheme 2023. Collection method: clinical testing. Allele origin: germline.
Comment: The p.I1078V variant (also known as c.3232A>G), located in coding exon 22 of the PDGFRA gene, results from an A to G substitution at nucleotide position 3232. The isoleucine at codon 1078 is replaced by valine, an amino acid with highly similar properties. This amino acid position is conserved. In addition, this alteration is predicted to be tolerated by in silico analysis. Since supporting evidence is limited at this time, the clinical significance of this alteration remains unclear.